The following is an entry in ClinVar:

NM_000327.4(ROM1):c.782T>C (p.Leu261Ser)

Gene: ROM1 (retinal outer segment membrane protein 1; plus strand). Cytogenetic location: 11q12.3.
Variant type: single nucleotide variant.
Coding change: c.782T>C on transcript NM_000327.4 (MANE Select); coding-DNA position 782, T replaced by C.
Protein change: p.Leu261Ser; replaces leucine 261 with serine.
Molecular consequence: missense variant.
Genome position (GRCh38, 1-based): chr11:62,614,449, T>C. VCF-style: chr11-62614449-T-C. GRCh37 (hg19) VCF-style: chr11-62381921-T-C.
Other names: short protein forms L261S.
Identifiers: ClinVar variation 855135 (VCV000855135.9), dbSNP rs1942979031, ClinGen allele CA380972622.

ClinVar aggregate classification (germline): Uncertain significance (1 of 4 stars; one submission).

Submission:

Labcorp Genetics (formerly Invitae), Labcorp
Classification: Uncertain significance. Last evaluated: 2022-10-13. Review status: criteria provided, single submitter. Criteria: Invitae Variant Classification Sherloc (09022015). Collection method: clinical testing. Allele origin: germline.
Comment: This variant has not been reported in the literature in individuals affected with ROM1-related conditions. In summary, the available evidence is currently insufficient to determine the role of this variant in disease. Therefore, it has been classified as a Variant of Uncertain Significance. Advanced modeling of protein sequence and biophysical properties (such as structural, functional, and spatial information, amino acid conservation, physicochemical variation, residue mobility, and thermodynamic stability) performed at Invitae indicates that this missense variant is not expected to disrupt ROM1 protein function. ClinVar contains an entry for this variant (Variation ID: 855135). This variant is not present in population databases (gnomAD no frequency). This sequence change replaces leucine, which is neutral and non-polar, with serine, which is neutral and polar, at codon 261 of the ROM1 protein (p.Leu261Ser).